The following is an entry in ClinVar:

NM_006767.4(LZTR1):c.1100T>C (p.Leu367Pro)

Gene: LZTR1 (leucine zipper like post translational regulator 1; plus strand). Cytogenetic location: 22q11.21.
Variant type: single nucleotide variant.
Coding change: c.1100T>C on transcript NM_006767.4 (MANE Select); coding-DNA position 1100, T replaced by C.
Protein change: p.Leu367Pro; replaces leucine 367 with proline.
Molecular consequence: missense variant.
Genome position (GRCh38, 1-based): chr22:20,992,320, T>C. VCF-style: chr22-20992320-T-C. GRCh37 (hg19) VCF-style: chr22-21346609-T-C.
Other names: short protein forms L367P.
Identifiers: ClinVar variation 5023803 (VCV005023803.1).

ClinVar aggregate classification (germline): Uncertain significance (1 of 4 stars; one submission).

Conditions:
Cardiovascular phenotype. Identifiers: MedGen CN230736.
Hereditary cancer-predisposing syndrome. Also called: Neoplastic Syndromes, Hereditary; Tumor predisposition; Hereditary neoplastic syndrome; Hereditary Cancer Syndrome. Identifiers: Orphanet 140162, MedGen C0027672, MeSH D009386, MONDO:0015356.

Submission:

Ambry Genetics
Classification: Uncertain significance for Cardiovascular phenotype; Hereditary cancer-predisposing syndrome. Last evaluated: 2026-09-01. Review status: criteria provided, single submitter. Criteria: Ambry Variant Classification Scheme 2023. Collection method: clinical testing. Allele origin: germline.
Comment: The p.L367P variant (also known as c.1100T>C), located in coding exon 10 of the LZTR1 gene, results from a T to C substitution at nucleotide position 1100. The leucine at codon 367 is replaced by proline, an amino acid with similar properties. This amino acid position is conserved. In addition, the in silico prediction for this alteration is inconclusive. Based on the available evidence, the clinical significance of this variant remains unclear.